The following is an entry in ClinVar:

ClinVar aggregate classification (germline): Benign (1 of 4 stars; one submission).

Conditions:
Familial cancer of breast. Also called: Hereditary breast cancer; hereditary breast carcinoma; BREAST CANCER, FAMILIAL. Identifiers: Orphanet 227535, MedGen C0346153, MONDO:0016419, OMIM 114480. Disease mechanism: loss of function.

Submission:

Myriad Genetics, Inc.
Classification: Benign for Familial cancer of breast. Last evaluated: 2025-01-13. Review status: criteria provided, single submitter. Criteria: Myriad Autosomal Dominant, Autosomal Recessive and X-Linked Classification Criteria (2023). Collection method: clinical testing. Allele origin: unknown.
Comment: This variant is considered benign. This variant is a silent/synonymous amino acid change and it is not expected to impact splicing.

NM_024675.4(PALB2):c.1077T>C (p.Ser359=)

Gene: PALB2 (partner and localizer of BRCA2; minus strand). Cytogenetic location: 16p12.2.
Variant type: single nucleotide variant.
Coding change: c.1077T>C on transcript NM_024675.4 (MANE Select); coding-DNA position 1077, T replaced by C.
Protein change: p.Ser359=; no amino-acid change (serine 359 retained).
Molecular consequence: synonymous variant. On other transcripts: intron variant (3).
Genome position (GRCh38, 1-based): chr16:23,635,469, A>G on the plus strand (T>C on the coding strand, the complement: PALB2 is on the minus strand). VCF-style: chr16-23635469-A-G. GRCh37 (hg19) VCF-style: chr16-23646790-A-G.
Other names: c.1017T>C, p.Ser339= (NM_001407296.1); c.1077T>C, p.Ser359= (NM_001407297.1, NM_001407298.1, NM_001407299.1 and 3 more transcripts); c.192T>C, p.Ser64= (NM_001407304.1, NM_001407305.1, NM_001407306.1 and 5 more transcripts); c.48+5641T>C (NM_001407314.1); c.-104-5000T>C (NM_001407313.1, NM_001407312.1).
Identifiers: ClinVar variation 3903723 (VCV003903723.1).